The following is an entry in ClinVar:

NM_022173.4(TIA1):c.805G>A (p.Val269Ile)

Gene: TIA1 (TIA1 cytotoxic granule associated RNA binding protein; minus strand). Cytogenetic location: 2p13.3.
Variant type: single nucleotide variant.
Coding change: c.805G>A on transcript NM_022173.4 (MANE Select); coding-DNA position 805, G replaced by A.
Protein change: p.Val269Ile; replaces valine 269 with isoleucine.
Molecular consequence: missense variant. On other transcripts: non-coding transcript variant (17).
Genome position (GRCh38, 1-based): chr2:70,215,454, C>T on the plus strand (G>A on the coding strand, the complement: TIA1 is on the minus strand). VCF-style: chr2-70215454-C-T. GRCh37 (hg19) VCF-style: chr2-70442586-C-T.
Other names: c.778G>A, p.Val260Ile (NM_001351509.2); c.772G>A, p.Val258Ile (NM_001351510.2, NM_022037.4); c.694G>A, p.Val232Ile (NM_001351511.1); c.667G>A, p.Val223Ile (NM_001351512.1); c.661G>A, p.Val221Ile (NM_001351513.1); c.577G>A, p.Val193Ile (NM_001351514.2); c.502G>A, p.Val168Ile (NM_001351515.2); c.385G>A, p.Val129Ile (NM_001351517.2, NM_001351524.2, NM_001351525.2); and 1 more; short protein forms V129I, V168I, V193I, V221I, V223I, V232I, V258I, V260I.
Identifiers: ClinVar variation 1006176 (VCV001006176.8), dbSNP rs1678158814, ClinGen allele CA347151471.
Genomic context (GRCh38, chr2:70,215,454, plus strand): 5'-CAAGAGTTTCTTTGCCCCAATAGCATTTCACAACATGACCTTCAATGGTAGTACCATTAA[C>T]AGAAACAATTGCATGTGCTGCACTTTCATGGGAATTGAACCTATTGAAAACAATATTAAG-3'
Protein context (NP_071505.2, residues 259-279): HESAAHAIVS[Val269Ile]NGTTIEGHVV

ClinVar aggregate classification (germline): Uncertain significance (1 of 4 stars; one submission).

Conditions:
Welander distal myopathy (WDM). Also called: MUSCULAR DYSTROPHY, DISTAL, LATE-ONSET, AUTOSOMAL DOMINANT; Gower's muscular dystrophy; Welander distal myopathy, Swedish type; Distal myopathy, Swedish type. Identifiers: Orphanet 603, MedGen C0221054, MONDO:0011466, OMIM 604454.

Allele frequency attached by ClinVar (database versions not stated): gnomAD exomes below 0.00001.
gnomAD v4.1: 1 of 1,613,260 alleles (0.000062%); highest among the groups gnomAD compares: Admixed American, 0.0017%; no homozygotes.

Submission:

Labcorp Genetics (formerly Invitae), Labcorp
Classification: Uncertain significance for Welander distal myopathy. Last evaluated: 2020-07-08. Review status: criteria provided, single submitter. Criteria: Invitae Variant Classification Sherloc (09022015). Collection method: clinical testing. Allele origin: germline.
Comment: In summary, the available evidence is currently insufficient to determine the role of this variant in disease. Therefore, it has been classified as a Variant of Uncertain Significance. This sequence change replaces valine with isoleucine at codon 269 of the TIA1 protein (p.Val269Ile). The valine residue is highly conserved and there is a small physicochemical difference between valine and isoleucine. This variant is not present in population databases (ExAC no frequency). This variant has not been reported in the literature in individuals with TIA1-related conditions. Algorithms developed to predict the effect of missense changes on protein structure and function (SIFT, PolyPhen-2, Align-GVGD) all suggest that this variant is likely to be tolerated, but these predictions have not been confirmed by published functional studies and their clinical significance is uncertain.